The following is an entry in ClinVar:

NC_000002.11:g.(?_112702517)_(112786441_?)del

Gene: MERTK (MER proto-oncogene, tyrosine kinase; plus strand). Cytogenetic location: 2q13.
Variant type: Deletion.
Identifiers: ClinVar variation 1072548 (VCV001072548.2).

ClinVar aggregate classification (germline): Pathogenic (1 of 4 stars; one submission).

Submission:

Labcorp Genetics (formerly Invitae), Labcorp
Classification: Pathogenic. Last evaluated: 2022-10-26. Review status: criteria provided, single submitter. Criteria: Invitae Variant Classification Sherloc (09022015). Collection method: clinical testing. Allele origin: germline.
Comment: This variant is a gross deletion of the genomic region encompassing exon(s) 3-19 of the MERTK gene, which includes the termination codon. This deletion extends beyond the assayed region for this gene and therefore may encompass additional genes. While this deletion is not anticipated to lead to nonsense mediated decay, it is expected to alter mRNA translation or result in a truncated protein product. A similar copy number variant has been observed in individual(s) with retinal dystrophy (PMID: 26103963). It has also been observed to segregate with disease in related individuals. This variant disrupts the p.Arg844 amino acid residue in MERTK. Other variant(s) that disrupt this residue have been determined to be pathogenic (PMID: 15111602, 28462455). This suggests that this residue is clinically significant, and that variants that disrupt this residue are likely to be disease-causing. For these reasons, this variant has been classified as Pathogenic.

Literature cited by the submitters: PubMed 26103963; PubMed 15111602; PubMed 28462455.